The following is an entry in ClinVar:

NM_001232.4(CASQ2):c.258T>G (p.His86Gln)

Gene: CASQ2 (calsequestrin 2; minus strand). Cytogenetic location: 1p13.1.
Variant type: single nucleotide variant.
Coding change: c.258T>G on transcript NM_001232.4 (MANE Select); coding-DNA position 258, T replaced by G.
Protein change: p.His86Gln; replaces histidine 86 with glutamine.
Molecular consequence: missense variant.
Genome position (GRCh38, 1-based): chr1:115,744,889, A>C on the plus strand (T>G on the coding strand, the complement: CASQ2 is on the minus strand). VCF-style: chr1-115744889-A-C. GRCh37 (hg19) VCF-style: chr1-116287510-A-C.
Other names: short protein forms H86Q.
Identifiers: ClinVar variation 1793514 (VCV001793514.2), dbSNP rs2526032204, ClinGen allele CA341765498.
Genomic context (GRCh38, chr1:115,744,889, plus strand): 5'-CAGTTTCTTGGCAAGCTTGGCTTCTTTCTTGGCATCCACCATCACAAAGCCTATAGCTTT[A>C]TGTTCAAGGACCTGGGCCACAAGCTGAAGAAACAAATGGAAAGATGAGTGTGCTAAGGGC-3'
Protein context (NP_001223.2, residues 76-96): VLELVAQVLE[His86Gln]KAIGFVMVDA

ClinVar aggregate classification (germline): Uncertain significance (1 of 4 stars; one submission).

Conditions:
Cardiovascular phenotype. Identifiers: MedGen CN230736.

gnomAD v4.1: 3 of 1,613,514 alleles (0.00019%); highest among the groups gnomAD compares: Non-Finnish European, 0.00025%; no homozygotes.

Submission:

Ambry Genetics
Classification: Uncertain significance for Cardiovascular phenotype. Last evaluated: 2020-01-16. Review status: criteria provided, single submitter. Criteria: Ambry Variant Classification Scheme 2023. Collection method: clinical testing. Allele origin: germline.
Comment: The p.H86Q variant (also known as c.258T>G), located in coding exon 2 of the CASQ2 gene, results from a T to G substitution at nucleotide position 258. The histidine at codon 86 is replaced by glutamine, an amino acid with highly similar properties. This amino acid position is not well conserved in available vertebrate species. In addition, this alteration is predicted to be tolerated by in silico analysis. Since supporting evidence is limited at this time, the clinical significance of this alteration remains unclear.